The following is an entry in ClinVar:

NM_170784.3(MKKS):c.825G>T (p.Gln275His)

Gene: MKKS (MKKS centrosomal shuttling protein; minus strand). Cytogenetic location: 20p12.2.
Variant type: single nucleotide variant.
Coding change: c.825G>T on transcript NM_170784.3 (MANE Select); coding-DNA position 825, G replaced by T.
Protein change: p.Gln275His; replaces glutamine 275 with histidine.
Molecular consequence: missense variant.
Genome position (GRCh38, 1-based): chr20:10,412,690, C>A on the plus strand (G>T on the coding strand, the complement: MKKS is on the minus strand). VCF-style: chr20-10412690-C-A. GRCh37 (hg19) VCF-style: chr20-10393338-C-A.
Other names: c.825G>T, p.Gln275His (NM_018848.3); short protein forms Q275H.
Identifiers: ClinVar variation 1978983 (VCV001978983.6), dbSNP rs1400647753, ClinGen allele CA408232271.

ClinVar aggregate classification (germline): Uncertain significance. Review status: criteria provided, multiple submitters, no conflicts (2 of 4 stars). 2 submissions from 2 submitters: Uncertain significance (2). Last evaluated 2025-10-23.

Conditions:
MKKS-related disorder. Also called: MKKS-related disorders; MKKS-related condition.
Bardet-Biedl syndrome (BBS). Identifiers: Orphanet 110, MedGen C0752166, MONDO:0015229.
McKusick-Kaufman syndrome (MKKS). Also called: HYDROMETROCOLPOS SYNDROME; HYDROMETROCOLPOS, POSTAXIAL POLYDACTYLY, AND CONGENITAL HEART MALFORMATION. Identifiers: Orphanet 2473, MedGen C0948368, MONDO:0009367, OMIM 236700.

Allele frequency attached by ClinVar (database versions not stated): TOPMed 0.00001; gnomAD 0.00002.
gnomAD v4.1: 5 of 1,614,056 alleles (0.00031%); highest among the groups gnomAD compares: African/African-American, 0.004%; no homozygotes.

Submissions (2):

PreventionGenetics, part of Exact Sciences
Classification: Uncertain significance for MKKS-related condition. Last evaluated: 2025-10-23. Review status: criteria provided, single submitter. Criteria: ACMG Guidelines, 2015. Collection method: clinical testing. Allele origin: germline.
Comment: The MKKS c.825G>T variant is predicted to result in the amino acid substitution p.Gln275His. To our knowledge, this variant has not been reported in the literature or in a large population database, indicating this variant is rare. At this time, the clinical significance of this variant is uncertain due to the absence of conclusive functional and genetic evidence.

Labcorp Genetics (formerly Invitae), Labcorp
Classification: Uncertain significance for McKusick-Kaufman syndrome; Bardet-Biedl syndrome. Last evaluated: 2022-11-01. Review status: criteria provided, single submitter. Criteria: Invitae Variant Classification Sherloc (09022015). Collection method: clinical testing. Allele origin: germline.
Comment: This sequence change replaces glutamine, which is neutral and polar, with histidine, which is basic and polar, at codon 275 of the MKKS protein (p.Gln275His). In summary, the available evidence is currently insufficient to determine the role of this variant in disease. Therefore, it has been classified as a Variant of Uncertain Significance. Advanced modeling of protein sequence and biophysical properties (such as structural, functional, and spatial information, amino acid conservation, physicochemical variation, residue mobility, and thermodynamic stability) performed at Invitae indicates that this missense variant is not expected to disrupt MKKS protein function. This variant has not been reported in the literature in individuals affected with MKKS-related conditions. This variant is not present in population databases (gnomAD no frequency).